The following is an entry in ClinVar:

ClinVar aggregate classification (germline): Uncertain significance (1 of 4 stars; one submission).

Conditions:
Familial melanoma. Also called: Hereditary melanoma; Hereditary cutaneous melanoma. Identifiers: Orphanet 618, MedGen C1512419, MONDO:0018961.

Submission:

Labcorp Genetics (formerly Invitae), Labcorp
Classification: Uncertain significance for Familial melanoma. Last evaluated: 2024-12-02. Review status: criteria provided, single submitter. Criteria: Invitae Variant Classification Sherloc (09022015). Collection method: clinical testing. Allele origin: germline.
Comment: This sequence change creates a premature translational stop signal (p.Arg246Valfs*31) in the CDK4 gene. While this is not anticipated to result in nonsense mediated decay, it is expected to disrupt the last 58 amino acid(s) of the CDK4 protein. This variant is not present in population databases (gnomAD no frequency). This variant has not been reported in the literature in individuals affected with CDK4-related conditions. Experimental studies and prediction algorithms are not available or were not evaluated, and the functional significance of this variant is currently unknown. In summary, the available evidence is currently insufficient to determine the role of this variant in disease. Therefore, it has been classified as a Variant of Uncertain Significance.

NM_000075.4(CDK4):c.736del (p.Arg246fs)

Genes: CDK4 (cyclin dependent kinase 4; minus strand), TSPAN31 (tetraspanin 31; plus strand). Cytogenetic location: 12q14.1.
Variant type: Deletion.
Coding change: c.736del on transcript NM_000075.4 (MANE Select); coding-DNA position 736, one base deleted (C; older notation c.736delC).
Protein change: p.Arg246fs; shifts the reading frame from arginine 246.
Molecular consequence: frameshift variant. On other transcripts: 3 prime UTR variant (3).
Genome position (GRCh38, 1-based): chr12:57,749,265, G deleted on the plus strand (C on the coding strand, the reverse complement: CDK4 is on the minus strand); the first of 4 consecutive G bases (chr12:57,749,265-57,749,268); deleting any one gives the same sequence. VCF-style (leftmost placement, unchanged base first): chr12-57749264-CG-C. GRCh37 (hg19) VCF-style: chr12-58143047-CG-C.
Other names: c.*1978del (NM_001330168.2, NM_001330169.2, NM_005981.5); short protein forms R246fs.
Identifiers: ClinVar variation 3726466 (VCV003726466.2).